The following is an entry in ClinVar:

ClinVar aggregate classification (germline): Pathogenic (1 of 4 stars; one submission).

Conditions:
Fanconi anemia (FA). Also called: Fanconi's anemia. Identifiers: Orphanet 84, MedGen C0015625, MeSH D005199, MONDO:0019391.

Submission:

Labcorp Genetics (formerly Invitae), Labcorp
Classification: Pathogenic for Fanconi anemia. Last evaluated: 2024-02-08. Review status: criteria provided, single submitter. Criteria: Invitae Variant Classification Sherloc (09022015). Collection method: clinical testing. Allele origin: germline.
Comment: This sequence change creates a premature translational stop signal (p.Phe520Leufs*9) in the FANCM gene. It is expected to result in an absent or disrupted protein product. Loss-of-function variants in FANCM are known to be pathogenic (PMID: 29895858, 30075111). This variant is not present in population databases (gnomAD no frequency). This variant has not been reported in the literature in individuals affected with FANCM-related conditions. ClinVar contains an entry for this variant (Variation ID: 1414564). For these reasons, this variant has been classified as Pathogenic.

Literature cited by the submitters: PubMed 29895858; PubMed 30075111.

NM_020937.4(FANCM):c.1560del (p.Phe520fs)

Gene: FANCM (FA complementation group M; plus strand). Cytogenetic location: 14q21.2.
Variant type: Deletion.
Coding change: c.1560del on transcript NM_020937.4 (MANE Select); coding-DNA position 1560, one base deleted (T; older notation c.1560delT).
Protein change: p.Phe520fs; shifts the reading frame from phenylalanine 520.
Molecular consequence: frameshift variant.
Genome position (GRCh38, 1-based): chr14:45,159,259, T deleted; the last of 4 consecutive T bases (chr14:45,159,256-45,159,259); deleting any one gives the same sequence. VCF-style (leftmost placement, unchanged base first): chr14-45159255-GT-G. GRCh37 (hg19) VCF-style: chr14-45628458-GT-G.
Other names: c.1482del, p.Phe494fs (NM_001308133.2); c.1560del, p.Phe520fs (NM_001308134.2); short protein forms F494fs, F520fs.
Identifiers: ClinVar variation 1414564 (VCV001414564.6), dbSNP rs2139186964, ClinGen allele CA2573149949.